The following is an entry in ClinVar:

NM_014516.4(CNOT3):c.1597G>C (p.Glu533Gln)

Gene: CNOT3 (CCR4-NOT transcription complex subunit 3; plus strand). Cytogenetic location: 19q13.42.
Variant type: single nucleotide variant.
Coding change: c.1597G>C on transcript NM_014516.4 (MANE Select); coding-DNA position 1597, G replaced by C.
Protein change: p.Glu533Gln; replaces glutamic acid 533 with glutamine.
Molecular consequence: missense variant.
Genome position (GRCh38, 1-based): chr19:54,149,750, G>C. VCF-style: chr19-54149750-G-C. GRCh37 (hg19) VCF-style: chr19-54653485-G-C.
Other names: c.1597G>C (NM_014516.3); short protein forms E533Q.
Identifiers: ClinVar variation 3342081 (VCV003342081.17).

ClinVar aggregate classification (germline): Uncertain significance. Review status: criteria provided, multiple submitters, no conflicts (2 of 4 stars). 2 submissions from 2 submitters: Uncertain significance (2). Last evaluated 2024-12-02.

Conditions:
Inborn genetic diseases. Identifiers: MedGen C0950123, MeSH D030342.

Submissions (2):

Ambry Genetics
Classification: Uncertain significance for Inborn genetic diseases. Last evaluated: 2024-12-02. Review status: criteria provided, single submitter. Criteria: Ambry Variant Classification Scheme 2023. Collection method: clinical testing. Allele origin: germline.

CeGaT Center for Human Genetics Tuebingen
Classification: Uncertain significance. Last evaluated: 2024-08-01. Review status: criteria provided, single submitter. Criteria: CeGaT Center For Human Genetics Tuebingen Variant Classification Criteria Version 2. Collection method: clinical testing. Allele origin: germline. Affected: yes. Observed: 1 variant allele.
Comment: CNOT3: PM2